The following is an entry in ClinVar:

ClinVar aggregate classification (germline): Uncertain significance (1 of 4 stars; one submission).

Conditions:
LAMA2-related muscular dystrophy (LAMA2-RD). Also called: Laminin alpha 2-related dystrophy. Identifiers: MedGen C5679788, MONDO:0100228.

Submission:

Labcorp Genetics (formerly Invitae), Labcorp
Classification: Uncertain significance for LAMA2-related muscular dystrophy. Last evaluated: 2021-12-02. Review status: criteria provided, single submitter. Criteria: Invitae Variant Classification Sherloc (09022015). Collection method: clinical testing. Allele origin: germline.
Comment: In summary, the available evidence is currently insufficient to determine the role of this variant in disease. Therefore, it has been classified as a Variant of Uncertain Significance. Advanced modeling of protein sequence and biophysical properties (such as structural, functional, and spatial information, amino acid conservation, physicochemical variation, residue mobility, and thermodynamic stability) performed at Invitae indicates that this missense variant is expected to disrupt LAMA2 protein function. This variant has not been reported in the literature in individuals affected with LAMA2-related conditions. This variant is not present in population databases (gnomAD no frequency). This sequence change replaces cysteine, which is neutral and slightly polar, with tyrosine, which is neutral and polar, at codon 809 of the LAMA2 protein (p.Cys809Tyr).

NM_000426.4(LAMA2):c.2426G>A (p.Cys809Tyr)

Gene: LAMA2 (laminin subunit alpha 2; plus strand). Cytogenetic location: 6q22.33.
Variant type: single nucleotide variant.
Coding change: c.2426G>A on transcript NM_000426.4 (MANE Select); coding-DNA position 2426, G replaced by A.
Protein change: p.Cys809Tyr; replaces cysteine 809 with tyrosine.
Molecular consequence: missense variant.
Genome position (GRCh38, 1-based): chr6:129,270,727, G>A. VCF-style: chr6-129270727-G-A. GRCh37 (hg19) VCF-style: chr6-129591872-G-A.
Other names: c.2426G>A, p.Cys809Tyr (NM_001079823.2); short protein forms C809Y.
Identifiers: ClinVar variation 1435349 (VCV001435349.6), dbSNP rs1358858119, ClinGen allele CA365609204.
Genomic context (GRCh38, chr6:129,270,727, plus strand): 5'-TTCCTGGTTTCTATGGCGAGCCTACTAAAGGAACCTCTGAAGACTGTCAACCCTGTGCCT[G>A]TCCACTCAATATCCCATCCAATAAGTAAGTAACAAACTTACCCCATGAATAAGCTCAGCA-3'
Protein context (NP_000417.3, residues 799-819): GTSEDCQPCA[Cys809Tyr]PLNIPSNNFS